The following is an entry in ClinVar:

ClinVar aggregate classification (germline): Likely benign (1 of 4 stars; one submission).

Submission:

CeGaT Center for Human Genetics Tuebingen
Classification: Likely benign. Last evaluated: 2025-07-01. Review status: criteria provided, single submitter. Criteria: CeGaT Center For Human Genetics Tuebingen Variant Classification Criteria Version 2. Collection method: clinical testing. Allele origin: germline. Affected: yes. Observed: 1 variant allele.
Comment: ADGRV1: PM2:Supporting, BP4, BP7

NM_032119.4(ADGRV1):c.11937A>G (p.Lys3979=)

Gene: ADGRV1 (adhesion G protein-coupled receptor V1; plus strand). Cytogenetic location: 5q14.3.
Variant type: single nucleotide variant.
Coding change: c.11937A>G on transcript NM_032119.4 (MANE Select); coding-DNA position 11937, A replaced by G.
Protein change: p.Lys3979=; no amino-acid change (lysine 3979 retained).
Molecular consequence: synonymous variant. On other transcripts: non-coding transcript variant (1).
Genome position (GRCh38, 1-based): chr5:90,757,158, A>G. VCF-style: chr5-90757158-A-G. GRCh37 (hg19) VCF-style: chr5-90052975-A-G.
Identifiers: ClinVar variation 4084872 (VCV004084872.8).